The following is an entry in ClinVar:

NC_000007.13:g.(117149197_117170952)_(117199710_117227792)del

Gene: CFTR (CF transmembrane conductance regulator; plus strand). Cytogenetic location: 7q31.2.
Variant type: Deletion.
Identifiers: ClinVar variation 2506205 (VCV002506205.1).

ClinVar aggregate classification (germline): Pathogenic (1 of 4 stars; one submission).

Conditions:
Cystic fibrosis (CF). Also called: MUCOVISCIDOSIS. Identifiers: Orphanet 586, MedGen C0010674, MONDO:0009061, OMIM 219700. Disease mechanism: loss of function.

Submission:

Women's Health and Genetics/Laboratory Corporation of America, LabCorp
Classification: Pathogenic for Cystic fibrosis. Last evaluated: 2023-05-31. Review status: criteria provided, single submitter. Criteria: LabCorp Variant Classification Summary - May 2015. Collection method: clinical testing. Allele origin: germline.
Comment: Variant summary: The variant identified by MLPA or other technology involves the deletion of exons 4-11 (legacy exons 4-10) in the CFTR gene. A presumed nomenclature of c.(273+1_274-1)_(1584+1_1585-1)del has been designated for the purposes of this classification. Although exact breakpoints of this deletion are not known, it is predicted to result in a large in-frame deletion change in the CFTR gene, affecting the first transmembrane domain (amino acids 82-350; IPR011527) and first ATP-binding domain (amino acids 423-646; IPR003439), which is expected to lead to a complete absence of functional CFTR protein. The variant was absent in 21694 control chromosomes (gnomAD database, Structural Variants dataset). The variant, c.(273+1_274-1)_(1584+1_1585-1)del, has been reported in the literature in multiple homozygous and compound heterozygous individuals affected with classic Cystic Fibrosis (e.g. Chevalier-Porst_1998, Neocleous_2014, Danda_2014 [NO_PMID], Indika_2019, Duz_2021). These data indicate that the variant is very likely to be associated with disease. To our knowledge, no experimental evidence demonstrating an impact on protein function has been reported. However, several missense variants have been reported in the deleted region in affected individuals (HGMD), and been classified as pathogenic by our lab, indicating the functional importance of this protein region. The following publications have been ascertained in the context of this evaluation (PMID: 9452112, 24649380, 31126253, 33093640). One clinical diagnostic laboratory has submitted clinical-significance assessments for this variant to ClinVar after 2014, and classified the variant as pathogenic. Based on the evidence outlined above, the variant was classified as pathogenic.

Literature cited by the submitters: PubMed 31126253; PubMed 9452112; PubMed 33093640; PubMed 24649380.